The following is an entry in ClinVar:

ClinVar aggregate classification (germline): Uncertain significance (1 of 4 stars; one submission).

Conditions:
ALG1-congenital disorder of glycosylation. Also called: CONGENITAL DISORDER OF GLYCOSYLATION, TYPE Ik; ALG1-CDG; CDG Ik. Identifiers: Orphanet 79327, MedGen C2931005, MONDO:0012052, OMIM 608540.

Allele frequency attached by ClinVar (database versions not stated): ExAC 0.00002; gnomAD exomes 0.00002.

Submission:

Labcorp Genetics (formerly Invitae), Labcorp
Classification: Uncertain significance for ALG1-congenital disorder of glycosylation. Last evaluated: 2021-09-22. Review status: criteria provided, single submitter. Criteria: Invitae Variant Classification Sherloc (09022015). Collection method: clinical testing. Allele origin: germline.
Comment: This sequence change replaces leucine with phenylalanine at codon 312 of the ALG1 protein (p.Leu312Phe). The leucine residue is moderately conserved and there is a small physicochemical difference between leucine and phenylalanine. This variant is present in population databases (rs761452986, ExAC 0.003%). This variant has not been reported in the literature in individuals affected with ALG1-related conditions. Advanced modeling of protein sequence and biophysical properties (such as structural, functional, and spatial information, amino acid conservation, physicochemical variation, residue mobility, and thermodynamic stability) performed at Invitae indicates that this missense variant is expected to disrupt ALG1 protein function. In summary, the available evidence is currently insufficient to determine the role of this variant in disease. Therefore, it has been classified as a Variant of Uncertain Significance.

NM_019109.5(ALG1):c.934C>T (p.Leu312Phe)

Gene: ALG1 (ALG1 chitobiosyldiphosphodolichol beta-mannosyltransferase; plus strand). Cytogenetic location: 16p13.3.
Variant type: single nucleotide variant.
Coding change: c.934C>T on transcript NM_019109.5 (MANE Select); coding-DNA position 934, C replaced by T.
Protein change: p.Leu312Phe; replaces leucine 312 with phenylalanine.
Molecular consequence: missense variant.
Genome position (GRCh38, 1-based): chr16:5,079,780, C>T. VCF-style: chr16-5079780-C-T. GRCh37 (hg19) VCF-style: chr16-5129781-C-T.
Other names: c.601C>T, p.Leu201Phe (NM_001330504.2); short protein forms L201F, L312F.
Identifiers: ClinVar variation 1362147 (VCV001362147.3), dbSNP rs761452986, ClinGen allele CA7890113.
Genomic context (GRCh38, chr16:5,079,780, plus strand): 5'-GTAGAATTGTTTCTTTTTCTAAACACAGAGTTTGAACAACTGACTCTTGATGGACACAAC[C>T]TTCCTTCTCTCGTCTGTGTGATAACAGGTACTGCCTGGGACCCTGGGTGTCTGTTTGGTT-3'
Protein context (NP_061982.3, residues 302-322): FEQLTLDGHN[Leu312Phe]PSLVCVITGK